The following is an entry in ClinVar:

NM_000052.7(ATP7A):c.1602T>G (p.Pro534=)

Gene: ATP7A (ATPase copper transporting alpha; plus strand). Cytogenetic location: Xq21.1.
Variant type: single nucleotide variant.
Coding change: c.1602T>G on transcript NM_000052.7 (MANE Select); coding-DNA position 1602, T replaced by G.
Protein change: p.Pro534=; no amino-acid change (proline 534 retained).
Molecular consequence: synonymous variant.
Genome position (GRCh38, 1-based): chrX:78,003,131, T>G. VCF-style: chrX-78003131-T-G. GRCh37 (hg19) VCF-style: chrX-77258628-T-G.
Other names: c.1602T>G, p.Pro534= (NM_001282224.2).
Identifiers: ClinVar variation 1898476 (VCV001898476.30), dbSNP rs1056057247, ClinGen allele CA517056423.
Genomic context (GRCh38, chrX:78,003,131, plus strand): 5'-AGGAATATATTCTATACTTGTGGCCCTGATGGCTGGCAAGGCAGAAGTAAGGTATAATCC[T>G]GCTGTTATACAACCCCCAATGATAGCAGAGTTCATCCGAGAACTTGGATTTGGAGCCACT-3'
Protein context (NP_000043.4, residues 524-544): MAGKAEVRYN[Pro534=]AVIQPPMIAE

ClinVar aggregate classification (germline): Likely benign. Review status: criteria provided, multiple submitters, no conflicts (2 of 4 stars). 3 submissions from 3 submitters: Likely benign (3). Last evaluated 2025-12-01.

Conditions:
X-linked distal spinal muscular atrophy type 3. Also called: NEURONOPATHY, DISTAL HEREDITARY MOTOR, X-LINKED; NEUROPATHY, DISTAL HEREDITARY MOTOR, X-LINKED; ATP7A-Related Distal Motor Neuropathy; SPINAL MUSCULAR ATROPHY, DISTAL, X-LINKED RECESSIVE. Identifiers: Orphanet 139557, MedGen C1845359, MONDO:0010338, OMIM 300489.
Cutis laxa, X-linked (OHS). Also called: EDS IX; Occipital horn syndrome. Identifiers: Orphanet 198, MedGen C0268353, MONDO:0010572, OMIM 304150.
Menkes kinky-hair syndrome (MNK). Also called: Classic Menkes Disease; Copper transport disease; Menkes Disease. Identifiers: Orphanet 565, MedGen C0022716, MONDO:0010651, OMIM 309400.

gnomAD v4.1: 6 of 1,209,208 alleles (0.0005%); highest among the groups gnomAD compares: Non-Finnish European, 0.00067%; no homozygotes.

Submissions (3):

CeGaT Center for Human Genetics Tuebingen
Classification: Likely benign. Last evaluated: 2025-12-01. Review status: criteria provided, single submitter. Criteria: CeGaT Center For Human Genetics Tuebingen Variant Classification Criteria Version 2. Collection method: clinical testing. Allele origin: germline. Affected: yes. Observed: 2 variant alleles.
Comment: ATP7A: BP4, BP7, BS2

Labcorp Genetics (formerly Invitae), Labcorp
Classification: Likely benign for X-linked distal spinal muscular atrophy type 3; Cutis laxa, X-linked; Menkes kinky-hair syndrome. Last evaluated: 2024-10-22. Review status: criteria provided, single submitter. Criteria: Invitae Variant Classification Sherloc (09022015). Collection method: clinical testing. Allele origin: germline.

Blueprint Genetics
Classification: Likely benign. Last evaluated: 2023-01-31. Review status: criteria provided, single submitter. Criteria: ACMG Guidelines, 2015. Collection method: clinical testing. Allele origin: germline.